The following is an entry in ClinVar:

NM_206933.4(USH2A):c.14130T>G (p.Tyr4710Ter)

Gene: USH2A (usherin; minus strand). Cytogenetic location: 1q41.
Variant type: single nucleotide variant.
Coding change: c.14130T>G on transcript NM_206933.4 (MANE Select); coding-DNA position 14130, T replaced by G.
Protein change: p.Tyr4710Ter; replaces tyrosine 4710 with a stop codon.
Molecular consequence: nonsense.
Genome position (GRCh38, 1-based): chr1:215,670,975, A>C on the plus strand (T>G on the coding strand, the complement: USH2A is on the minus strand). VCF-style: chr1-215670975-A-C. GRCh37 (hg19) VCF-style: chr1-215844317-A-C.
Other names: short protein forms Y4710*.
Identifiers: ClinVar variation 2009929 (VCV002009929.4), dbSNP rs2464880303, ClinGen allele CA344839964.

ClinVar aggregate classification (germline): Pathogenic (1 of 4 stars; one submission).

Submission:

Labcorp Genetics (formerly Invitae), Labcorp
Classification: Pathogenic. Last evaluated: 2022-06-23. Review status: criteria provided, single submitter. Criteria: Invitae Variant Classification Sherloc (09022015). Collection method: clinical testing. Allele origin: germline.
Comment: For these reasons, this variant has been classified as Pathogenic. This variant has not been reported in the literature in individuals affected with USH2A-related conditions. This variant is not present in population databases (gnomAD no frequency). This sequence change creates a premature translational stop signal (p.Tyr4710*) in the USH2A gene. It is expected to result in an absent or disrupted protein product. Loss-of-function variants in USH2A are known to be pathogenic (PMID: 10729113, 10909849, 20507924, 25649381).

Literature cited by the submitters: PubMed 10729113; PubMed 10909849; PubMed 20507924; PubMed 25649381.